The following is an entry in ClinVar:

NM_176787.5(PIGN):c.2309A>G (p.Asn770Ser)

Gene: PIGN (phosphatidylinositol glycan anchor biosynthesis class N; minus strand). Cytogenetic location: 18q21.33.
Variant type: single nucleotide variant.
Coding change: c.2309A>G on transcript NM_176787.5 (MANE Select); coding-DNA position 2309, A replaced by G.
Protein change: p.Asn770Ser; replaces asparagine 770 with serine.
Molecular consequence: missense variant.
Genome position (GRCh38, 1-based): chr18:62,088,817, T>C on the plus strand (A>G on the coding strand, the complement: PIGN is on the minus strand). VCF-style: chr18-62088817-T-C. GRCh37 (hg19) VCF-style: chr18-59756050-T-C.
Other names: c.2309A>G, p.Asn770Ser (NM_012327.6); short protein forms N770S.
Identifiers: ClinVar variation 859448 (VCV000859448.9), dbSNP rs1208917751, ClinGen allele CA402602060.

ClinVar aggregate classification (germline): Uncertain significance (1 of 4 stars; one submission).

Conditions:
Multiple congenital anomalies-hypotonia-seizures syndrome 1 (MCAHS1). Also called: PIGN-CDG; Congenital disorder of glycosylation due to PIGN deficiency; GLYCOSYLPHOSPHATIDYLINOSITOL BIOSYNTHESIS DEFECT 3. Identifiers: Orphanet 280633, MedGen C3279775, MONDO:0013563, OMIM 614080.

Allele frequency attached by ClinVar (database versions not stated): gnomAD exomes below 0.00001 and 0.00001; TOPMed below 0.00001.
gnomAD v4.1: 2 of 1,554,302 alleles (0.00013%); highest among the groups gnomAD compares: Admixed American, 0.0038%; no homozygotes.

Submission:

Labcorp Genetics (formerly Invitae), Labcorp
Classification: Uncertain significance for Multiple congenital anomalies-hypotonia-seizures syndrome 1. Last evaluated: 2024-05-15. Review status: criteria provided, single submitter. Criteria: Invitae Variant Classification Sherloc (09022015). Collection method: clinical testing. Allele origin: germline.
Comment: This sequence change replaces asparagine, which is neutral and polar, with serine, which is neutral and polar, at codon 770 of the PIGN protein (p.Asn770Ser). The frequency data for this variant in the population databases is considered unreliable, as metrics indicate poor data quality at this position in the gnomAD database. This variant has not been reported in the literature in individuals affected with PIGN-related conditions. ClinVar contains an entry for this variant (Variation ID: 859448). Advanced modeling of protein sequence and biophysical properties (such as structural, functional, and spatial information, amino acid conservation, physicochemical variation, residue mobility, and thermodynamic stability) performed at Invitae indicates that this missense variant is not expected to disrupt PIGN protein function with a negative predictive value of 80%. In summary, the available evidence is currently insufficient to determine the role of this variant in disease. Therefore, it has been classified as a Variant of Uncertain Significance.